The following is an entry in ClinVar:

NM_002471.4(MYH6):c.5586C>G (p.Asn1862Lys)

Gene: MYH6 (myosin heavy chain 6; minus strand). Cytogenetic location: 14q11.2.
Variant type: single nucleotide variant.
Coding change: c.5586C>G on transcript NM_002471.4 (MANE Select); coding-DNA position 5586, C replaced by G.
Protein change: p.Asn1862Lys; replaces asparagine 1862 with lysine.
Molecular consequence: missense variant.
Genome position (GRCh38, 1-based): chr14:23,383,300, G>C on the plus strand (C>G on the coding strand, the complement: MYH6 is on the minus strand). VCF-style: chr14-23383300-G-C. GRCh37 (hg19) VCF-style: chr14-23852509-G-C.
Other names: short protein forms N1862K.
Identifiers: ClinVar variation 1748444 (VCV001748444.6), dbSNP rs544009955, ClinGen allele CA7114341.

ClinVar aggregate classification (germline): Uncertain significance. Review status: criteria provided, multiple submitters, no conflicts (2 of 4 stars). 3 submissions from 3 submitters: Uncertain significance (3). Last evaluated 2026-08-18.

Conditions:
Cardiovascular phenotype. Identifiers: MedGen CN230736.
Hypertrophic cardiomyopathy 14. Identifiers: MedGen C2750467, MONDO:0013197, OMIM 613251.

Allele frequency attached by ClinVar (database versions not stated): gnomAD exomes below 0.00001; ExAC 0.00001; gnomAD 0.00003; 1000 Genomes Project 0.00020.
gnomAD v4.1: 4 of 755,220 alleles (0.00053%); highest among the groups gnomAD compares: African/African-American, 0.006%; no homozygotes.

Submissions (3):

GeneDx
Classification: Uncertain significance. Last evaluated: 2026-08-18. Review status: criteria provided, single submitter. Criteria: GeneDx Variant Classification Process June 2021. Collection method: clinical testing. Allele origin: germline.
Comment: Not observed at significant frequency in large population cohorts (gnomAD); In silico analysis supports that this missense variant has a deleterious effect on protein structure/function; Has not been previously published as pathogenic or benign to our knowledge

Labcorp Genetics (formerly Invitae), Labcorp
Classification: Uncertain significance for Hypertrophic cardiomyopathy 14. Last evaluated: 2025-02-05. Review status: criteria provided, single submitter. Criteria: Invitae Variant Classification Sherloc (09022015). Collection method: clinical testing. Allele origin: germline.
Comment: This sequence change replaces asparagine, which is neutral and polar, with lysine, which is basic and polar, at codon 1862 of the MYH6 protein (p.Asn1862Lys). This variant is present in population databases (rs544009955, gnomAD 0.007%). This variant has not been reported in the literature in individuals affected with MYH6-related conditions. ClinVar contains an entry for this variant (Variation ID: 1748444). Invitae Evidence Modeling of protein sequence and biophysical properties (such as structural, functional, and spatial information, amino acid conservation, physicochemical variation, residue mobility, and thermodynamic stability) indicates that this missense variant is not expected to disrupt MYH6 protein function with a negative predictive value of 80%. In summary, the available evidence is currently insufficient to determine the role of this variant in disease. Therefore, it has been classified as a Variant of Uncertain Significance.

Ambry Genetics
Classification: Uncertain significance for Cardiovascular phenotype. Last evaluated: 2020-11-19. Review status: criteria provided, single submitter. Criteria: Ambry Variant Classification Scheme 2023. Collection method: clinical testing. Allele origin: germline.
Comment: The p.N1862K variant (also known as c.5586C>G), located in coding exon 35 of the MYH6 gene, results from a C to G substitution at nucleotide position 5586. The asparagine at codon 1862 is replaced by lysine, an amino acid with similar properties. This amino acid position is highly conserved in available vertebrate species. In addition, this alteration is predicted to be tolerated by in silico analysis. Since supporting evidence is limited at this time, the clinical significance of this alteration remains unclear.